The following is an entry in ClinVar:

ClinVar aggregate classification (germline): Conflicting classifications of pathogenicity. Review status: criteria provided, conflicting classifications (1 of 4 stars). 3 submissions from 3 submitters: Uncertain significance (1); Likely benign (1). 1 of the submissions does not count toward it. Last evaluated 2024-11-18.

Conditions:
TNFRSF9-related disorder. Also called: TNFRSF9-related condition.

Submissions (4):

Blueprint Genetics
Classification: Likely benign. Last evaluated: 2024-11-18. Review status: criteria provided, single submitter. Criteria: ACMG Guidelines, 2015. Collection method: clinical testing. Allele origin: germline.

Labcorp Genetics (formerly Invitae), Labcorp
Classification: Uncertain significance. Last evaluated: 2024-01-18. Review status: criteria provided, single submitter. Criteria: Invitae Variant Classification Sherloc (09022015). Collection method: clinical testing. Allele origin: germline.
Comment: This sequence change falls in intron 4 of the TNFRSF9 gene. It does not directly change the encoded amino acid sequence of the TNFRSF9 protein. It affects a nucleotide within the consensus splice site. This variant is present in population databases (rs375937837, gnomAD 0.1%), and has an allele count higher than expected for a pathogenic variant. This variant has not been reported in the literature in individuals affected with TNFRSF9-related conditions. ClinVar contains an entry for this variant (Variation ID: 1505063). Variants that disrupt the consensus splice site are a relatively common cause of aberrant splicing (PMID: 17576681, 9536098). Algorithms developed to predict the effect of sequence changes on RNA splicing suggest that this variant may disrupt the consensus splice site. In summary, the available evidence is currently insufficient to determine the role of this variant in disease. Therefore, it has been classified as a Variant of Uncertain Significance.

PreventionGenetics, part of Exact Sciences
Classification: Likely benign for TNFRSF9-related condition. Last evaluated: 2023-05-30. Review status: no assertion criteria provided. Collection method: clinical testing. Allele origin: germline. Not counted in ClinVar's aggregate classification.
Comment: This variant is classified as likely benign based on ACMG/AMP sequence variant interpretation guidelines (Richards et al. 2015 PMID: 25741868, with internal and published modifications).

Dr. Peter K. Rogan Lab, Western University
No classification provided (evidence only). Condition: Colorectal cancer. Review status: no classification provided. Collection method: in vitro. Allele origin: not applicable. Functional consequence: skipped exon. Not counted in ClinVar's aggregate classification.

Literature cited by the submitters: PubMed 17576681 (cited by Labcorp Genetics (formerly Invitae), Labcorp); PubMed 9536098 (cited by Labcorp Genetics (formerly Invitae), Labcorp).

NM_001561.6(TNFRSF9):c.208+5_208+16del

Gene: TNFRSF9 (TNF receptor superfamily member 9; minus strand). Cytogenetic location: 1p36.23.
Variant type: Deletion.
Coding change: c.208+5_208+16del on transcript NM_001561.6 (MANE Select); bases 5 to 16 of the intron after coding-DNA position 208, 12 bases deleted (GAGTTCAAAGAT).
Molecular consequence: intron variant.
Genome position (GRCh38, 1-based): chr1:7,938,705-7,938,716, ATCTTTGAACTC deleted on the plus strand (GAGTTCAAAGAT on the coding strand, the reverse complement: TNFRSF9 is on the minus strand); deleting any 12 consecutive bases within chr1:7,938,705-7,938,718 gives the same sequence; the c. name uses the placement nearest the transcript's 3' end. VCF-style (leftmost placement, unchanged base first): chr1-7938704-TATCTTTGAACTC-T. GRCh37 (hg19) VCF-style: chr1-7998764-TATCTTTGAACTC-T.
Other names: NC_000001.10:g.7998767_7998778del; c.208+3_208+14del (NM_001561.6).
Identifiers: ClinVar variation 1505063 (VCV001505063.8), dbSNP rs375937837, ClinGen allele CA569313.
Genomic context (GRCh38, chr1:7,938,704, plus strand): 5'-AGCAGTTAGTAAATGGGAAAGAAAAGCTTATCTTCCCAACTATCTTCTAGAAGAAGAAAA[TATCTTTGAACTC>T]ATACCTTTACACTGCCTGCATATGTCACAGGTCCTTTGTCCACCTGCGCTGGAGAAACTA-3'